The following is an entry in ClinVar:

ClinVar aggregate classification (germline): Uncertain significance (1 of 4 stars; one submission).

Conditions:
Hereditary breast ovarian cancer syndrome. Also called: Hereditary breast and ovarian cancer syndrome; Hereditary breast and ovarian cancer; Hereditary breast and ovarian cancer syndrome (HBOC); Hereditary breast and/or ovarian cancer syndrome; Breast and ovarian cancer; BRCA1- and BRCA2-Associated Hereditary Breast and Ovarian Cancer. Identifiers: Orphanet 145, MedGen C0677776, MeSH D061325, MONDO:0003582. Disease mechanism: loss of function.

Submission:

Labcorp Genetics (formerly Invitae), Labcorp
Classification: Uncertain significance for Hereditary breast ovarian cancer syndrome. Last evaluated: 2024-10-21. Review status: criteria provided, single submitter. Criteria: Invitae Variant Classification Sherloc (09022015). Collection method: clinical testing. Allele origin: germline.
Comment: This sequence change replaces isoleucine, which is neutral and non-polar, with valine, which is neutral and non-polar, at codon 1298 of the BRCA2 protein (p.Ile1298Val). This variant is not present in population databases (gnomAD no frequency). This variant has not been reported in the literature in individuals affected with BRCA2-related conditions. Invitae Evidence Modeling of protein sequence and biophysical properties (such as structural, functional, and spatial information, amino acid conservation, physicochemical variation, residue mobility, and thermodynamic stability) indicates that this missense variant is not expected to disrupt BRCA2 protein function with a negative predictive value of 95%. In summary, the available evidence is currently insufficient to determine the role of this variant in disease. Therefore, it has been classified as a Variant of Uncertain Significance.

NM_000059.4(BRCA2):c.3892A>G (p.Ile1298Val)

Gene: BRCA2 (BRCA2 DNA repair associated; plus strand). Cytogenetic location: 13q13.1.
Variant type: single nucleotide variant.
Coding change: c.3892A>G on transcript NM_000059.4 (MANE Select); coding-DNA position 3892, A replaced by G.
Protein change: p.Ile1298Val; replaces isoleucine 1298 with valine.
Molecular consequence: missense variant. On other transcripts: non-coding transcript variant (1), intron variant (2).
Genome position (GRCh38, 1-based): chr13:32,338,247, A>G. VCF-style: chr13-32338247-A-G. GRCh37 (hg19) VCF-style: chr13-32912384-A-G.
Other names: c.3892A>G, p.Ile1298Val (NM_001406719.1, NM_001406720.1); c.1909+4860A>G (NM_001406721.1); c.425-6311A>G (NM_001406722.1); short protein forms I1298V.
Identifiers: ClinVar variation 2719627 (VCV002719627.3), dbSNP rs2548527132, ClinGen allele CA387778771.